The following is an entry in ClinVar:

ClinVar aggregate classification (germline): Uncertain significance (1 of 4 stars; one submission).

Conditions:
Chuvash polycythemia. Also called: POLYCYTHEMIA, VHL-DEPENDENT. Identifiers: Orphanet 238557, MedGen C1837915, MONDO:0009892, OMIM 263400.
Von Hippel-Lindau syndrome (VHLS). Also called: von Hippel–Lindau syndrome; VHL syndrome; Von Hippel-Lindau. Identifiers: Orphanet 892, MedGen C0019562, MONDO:0008667, OMIM 193300. Disease mechanism: loss of function.

Submission:

Labcorp Genetics (formerly Invitae), Labcorp
Classification: Uncertain significance for Von Hippel-Lindau syndrome; Chuvash polycythemia. Last evaluated: 2025-10-18. Review status: criteria provided, single submitter. Criteria: Invitae Variant Classification Sherloc (09022015). Collection method: clinical testing. Allele origin: germline.
Comment: This sequence change falls in intron 1 of the VHL gene. It is not expected to change the encoded amino acid sequence of the VHL protein. However, this sequence change falls within a cryptic exon in the VHL gene, known as exon E1’, which is naturally expressed at low levels in several human tissues (PMID: 29891534). This variant is not present in population databases (gnomAD no frequency). This variant has not been reported in the literature in individuals affected with VHL-related conditions. Algorithms developed to predict the effect of sequence changes on RNA splicing suggest that this variant is not likely to affect RNA splicing. In summary, the available evidence is currently insufficient to determine the role of this variant in disease. Therefore, it has been classified as a Variant of Uncertain Significance.

Literature cited by the submitters: PubMed 29891534.

NM_000551.4(VHL):c.340+762G>T

Genes: VHL (von Hippel-Lindau tumor suppressor; plus strand), LOC107303340 (3p25 von Hippel-Lindau tumor suppressor, E3 ubiquitin protein ligase Alu-mediated recombination region; plus strand). Cytogenetic location: 3p25.3.
Variant type: single nucleotide variant.
Coding change: c.340+762G>T on transcript NM_000551.4 (MANE Select); 762 bases into the intron after coding-DNA position 340, G replaced by T.
Molecular consequence: intron variant. On other transcripts: missense variant (1), non-coding transcript variant (1).
Genome position (GRCh38, 1-based): chr3:10,142,949, G>T. VCF-style: chr3-10142949-G-T. GRCh37 (hg19) VCF-style: chr3-10184633-G-T.
Other names: c.527G>T, p.Cys176Phe (NM_001354723.2); c.340+762G>T (NM_198156.3); short protein forms C176F.
Identifiers: ClinVar variation 4793801 (VCV004793801.1).